The following is an entry in ClinVar:

NM_001110556.2(FLNA):c.6278A>C (p.Asn2093Thr)

Gene: FLNA (filamin A; minus strand). Cytogenetic location: Xq28.
Variant type: single nucleotide variant.
Coding change: c.6278A>C on transcript NM_001110556.2 (MANE Select); coding-DNA position 6278, A replaced by C.
Protein change: p.Asn2093Thr; replaces asparagine 2093 with threonine.
Molecular consequence: missense variant.
Genome position (GRCh38, 1-based): chrX:154,352,873, T>G on the plus strand (A>C on the coding strand, the complement: FLNA is on the minus strand). VCF-style: chrX-154352873-T-G. GRCh37 (hg19) VCF-style: chrX-153581241-T-G.
Other names: c.6254A>C, p.Asn2085Thr (NM_001456.4); short protein forms N2085T, N2093T.
Identifiers: ClinVar variation 2662372 (VCV002662372.2), dbSNP rs1414664730, ClinGen allele CA415194181.
Genomic context (GRCh38, chrX:154,352,873, plus strand): 5'-TTGCCTGGCTCTGTGGGGCAGTAGGTGACCCTGCACGTCCCGTCCTCCAGGTCCTCTGTG[T>G]TGATGTCCACCTTGCTGGGGCCCTCAATGGACAGGCTGAGCCCACCATAGCCTAGGGGAT-3'
Protein context (NP_001104026.1, residues 2083-2103): SIEGPSKVDI[Asn2093Thr]TEDLEDGTCR

ClinVar aggregate classification (germline): Uncertain significance. Review status: criteria provided, multiple submitters, no conflicts (2 of 4 stars). 2 submissions from 2 submitters: Uncertain significance (2). Last evaluated 2026-03-21.

Conditions:
Familial thoracic aortic aneurysm and aortic dissection (TAAD). Also called: Thoracic aortic aneurysms and dissections. Identifiers: Orphanet 91387, MedGen C4707243, MONDO:0019625.

Allele frequency attached by ClinVar (database versions not stated): TOPMed 0.00002; gnomAD 0.00001.
gnomAD v4.1: 1 of 1,210,428 alleles (0.000083%); highest among the groups gnomAD compares: African/African-American, 0.0017%; no homozygotes.

Submissions (2):

Ambry Genetics
Classification: Uncertain significance for Familial thoracic aortic aneurysm and aortic dissection. Last evaluated: 2026-03-21. Review status: criteria provided, single submitter. Criteria: Ambry Variant Classification Scheme 2023. Collection method: clinical testing. Allele origin: germline.
Comment: The p.N2085T variant (also known as c.6254A>C), located in coding exon 37 of the FLNA gene, results from an A to C substitution at nucleotide position 6254. The asparagine at codon 2085 is replaced by threonine, an amino acid with similar properties. This amino acid position is conserved. In addition, the in silico prediction for this alteration is inconclusive. Based on the available evidence, the clinical significance of this variant remains unclear.

GeneDx
Classification: Uncertain significance. Last evaluated: 2023-05-19. Review status: criteria provided, single submitter. Criteria: GeneDx Variant Classification Process June 2021. Collection method: clinical testing. Allele origin: germline. Affected: yes.
Comment: Not observed at significant frequency in large population cohorts (gnomAD); In silico analysis supports that this missense variant has a deleterious effect on protein structure/function; Has not been previously published as pathogenic or benign to our knowledge